The following is an entry in ClinVar:

ClinVar aggregate classification (germline): Uncertain significance (0 of 4 stars; one submission).

Conditions:
NRXN2-related disorder. Also called: NRXN2-related condition.

Submission:

PreventionGenetics, part of Exact Sciences
Classification: Uncertain significance for NRXN2-related condition. Last evaluated: 2024-04-10. Review status: no assertion criteria provided. Collection method: clinical testing. Allele origin: germline.
Comment: The NRXN2 c.4187T>G variant is predicted to result in the amino acid substitution p.Leu1396Arg. To our knowledge, this variant has not been reported in the literature or in a large population database, indicating this variant is rare. At this time, the clinical significance of this variant is uncertain due to the absence of conclusive functional and genetic evidence.

NM_015080.4(NRXN2):c.4187T>G (p.Leu1396Arg)

Gene: NRXN2 (neurexin 2; minus strand). Cytogenetic location: 11q13.1.
Variant type: single nucleotide variant.
Coding change: c.4187T>G on transcript NM_015080.4 (MANE Select); coding-DNA position 4187, T replaced by G.
Protein change: p.Leu1396Arg; replaces leucine 1396 with arginine.
Molecular consequence: missense variant.
Genome position (GRCh38, 1-based): chr11:64,620,359, A>C on the plus strand (T>G on the coding strand, the complement: NRXN2 is on the minus strand). VCF-style: chr11-64620359-A-C. GRCh37 (hg19) VCF-style: chr11-64387831-A-C.
Other names: c.4187T>G, p.Leu1396Arg (NM_001376262.1); c.4166T>G, p.Leu1389Arg (NM_001376263.1); c.4142T>G, p.Leu1381Arg (NM_001376265.1); c.4163T>G, p.Leu1388Arg (NM_001376266.1); c.4076T>G, p.Leu1359Arg (NM_001376267.1); c.812T>G, p.Leu271Arg (NM_001400681.1); c.722T>G, p.Leu241Arg (NM_001400682.1); c.3977T>G, p.Leu1326Arg (NM_138732.3); and 1 more; short protein forms L1326R, L1359R, L1381R, L1388R, L1389R, L1396R, L241R, L271R.
Identifiers: ClinVar variation 3345162 (VCV003345162.1).